The following is an entry in ClinVar:

NM_001144967.3(NEDD4L):c.1107G>A (p.Thr369=)

Gene: NEDD4L (NEDD4 like E3 ubiquitin protein ligase; plus strand). Cytogenetic location: 18q21.31.
Variant type: single nucleotide variant.
Coding change: c.1107G>A on transcript NM_001144967.3 (MANE Select); coding-DNA position 1107, G replaced by A.
Protein change: p.Thr369=; no amino-acid change (threonine 369 retained).
Molecular consequence: synonymous variant. On other transcripts: intron variant (5).
Genome position (GRCh38, 1-based): chr18:58,335,519, G>A. VCF-style: chr18-58335519-G-A. GRCh37 (hg19) VCF-style: chr18-56002751-G-A.
Other names: c.744G>A, p.Thr248= (NM_001144964.1, NM_001144965.2, NM_001144966.3); c.1083G>A, p.Thr361= (NM_001144968.2); c.1065+1627G>A (NM_015277.6, NM_001243960.2); c.702+1627G>A (NM_001144971.2, NM_001144970.3); c.1041+1627G>A (NM_001144969.2).
Identifiers: ClinVar variation 2500065 (VCV002500065.1), dbSNP rs760233002, ClinGen allele CA8975570.
Genomic context (GRCh38, chr18:58,335,519, plus strand): 5'-TGTAAATTATCATTCACAGCCCAGTGCCCCAGCTGGGAGAGCGCGTTCATCAACTGTCAC[G>A]GGTGGTGAGGAACCAACGGTAATGATCCACTTTATCAGACATCAATAGCAAGAGGCCGTG-3'
Protein context (NP_001138439.1, residues 359-379): PAGRARSSTV[Thr369=]GGEEPTPSVA

ClinVar aggregate classification (germline): Uncertain significance (1 of 4 stars; one submission).

Conditions:
Periventricular nodular heterotopia 7 (PVNH7). Identifiers: MedGen C4310669, MONDO:0014966, OMIM 617201.

Allele frequency attached by ClinVar (database versions not stated): ExAC 0.00002.
gnomAD v4.1: 47 of 1,613,252 alleles (0.0029%); highest among the groups gnomAD compares: African/African-American, 0.0067%; 1 homozygote.

Submission:

Center for Genomics, Ann and Robert H. Lurie Children's Hospital of Chicago
Classification: Uncertain significance for Periventricular nodular heterotopia 7. Last evaluated: 2022-04-27. Review status: criteria provided, single submitter. Criteria: ACMG Guidelines, 2015. Collection method: clinical testing. Allele origin: germline.
Comment: This variant has not been reported in the literature but is present in the Genome Aggregation Database (Highest reported MAF 0.06% (7/10620). Evolutionary conservation and computational predictive tools for this variant are limited or unavailable. This variant is a silent variant and does not change the amino acid, reducing the probability that this variant is disease causing. Of note, although this variant occurs in the exon, computational prediction tools suggests that this variant may alter splicing. However, further studies are needed to understand its impact. In summary, data on this variant is insufficient for disease classification. Therefore, the clinical significance of this variant is uncertain.